The following is an entry in ClinVar:

NM_152424.4(AMER1):c.2723A>G (p.Asn908Ser)

Gene: AMER1 (APC membrane recruitment protein 1; minus strand). Cytogenetic location: Xq11.2.
Variant type: single nucleotide variant.
Coding change: c.2723A>G on transcript NM_152424.4 (MANE Select); coding-DNA position 2723, A replaced by G.
Protein change: p.Asn908Ser; replaces asparagine 908 with serine.
Molecular consequence: missense variant.
Genome position (GRCh38, 1-based): chrX:64,190,564, T>C on the plus strand (A>G on the coding strand, the complement: AMER1 is on the minus strand). VCF-style: chrX-64190564-T-C. GRCh37 (hg19) VCF-style: chrX-63410444-T-C.
Other names: short protein forms N908S.
Identifiers: ClinVar variation 3645478 (VCV003645478.2).

ClinVar aggregate classification (germline): Uncertain significance (1 of 4 stars; one submission).

Submission:

Labcorp Genetics (formerly Invitae), Labcorp
Classification: Uncertain significance. Last evaluated: 2024-03-12. Review status: criteria provided, single submitter. Criteria: Invitae Variant Classification Sherloc (09022015). Collection method: clinical testing. Allele origin: germline.
Comment: This sequence change replaces asparagine, which is neutral and polar, with serine, which is neutral and polar, at codon 908 of the AMER1 protein (p.Asn908Ser). This variant is not present in population databases (gnomAD no frequency). This variant has not been reported in the literature in individuals affected with AMER1-related conditions. Algorithms developed to predict the effect of missense changes on protein structure and function output the following: SIFT: "Not Available"; PolyPhen-2: "Benign"; Align-GVGD: "Not Available". The serine amino acid residue is found in multiple mammalian species, which suggests that this missense change does not adversely affect protein function. In summary, the available evidence is currently insufficient to determine the role of this variant in disease. Therefore, it has been classified as a Variant of Uncertain Significance.